The following is an entry in ClinVar:

ClinVar aggregate classification (germline): Uncertain significance (1 of 4 stars; one submission).

Allele frequency attached by ClinVar (database versions not stated): gnomAD 0.00001; gnomAD exomes 0.00003; ExAC 0.00006; ESP Exome Variant Server 0.00009.
gnomAD v4.1: 34 of 1,536,456 alleles (0.0022%); highest among the groups gnomAD compares: Non-Finnish European, 0.0029%; no homozygotes.

Submission:

Labcorp Genetics (formerly Invitae), Labcorp
Classification: Uncertain significance. Last evaluated: 2024-10-08. Review status: criteria provided, single submitter. Criteria: Invitae Variant Classification Sherloc (09022015). Collection method: clinical testing. Allele origin: germline.
Comment: This sequence change replaces glycine, which is neutral and non-polar, with tryptophan, which is neutral and slightly polar, at codon 322 of the TCF3 protein (p.Gly322Trp). This variant is present in population databases (rs375354495, gnomAD 0.007%). This variant has not been reported in the literature in individuals affected with TCF3-related conditions. ClinVar contains an entry for this variant (Variation ID: 1517450). Invitae Evidence Modeling of protein sequence and biophysical properties (such as structural, functional, and spatial information, amino acid conservation, physicochemical variation, residue mobility, and thermodynamic stability) indicates that this missense variant is expected to disrupt TCF3 protein function with a positive predictive value of 80%. In summary, the available evidence is currently insufficient to determine the role of this variant in disease. Therefore, it has been classified as a Variant of Uncertain Significance.

NM_003200.5(TCF3):c.964G>T (p.Gly322Trp)

Gene: TCF3 (transcription factor 3; minus strand). Cytogenetic location: 19p13.3.
Variant type: single nucleotide variant.
Coding change: c.964G>T on transcript NM_003200.5 (MANE Select); coding-DNA position 964, G replaced by T.
Protein change: p.Gly322Trp; replaces glycine 322 with tryptophan.
Molecular consequence: missense variant.
Genome position (GRCh38, 1-based): chr19:1,621,183, C>A on the plus strand (G>T on the coding strand, the complement: TCF3 is on the minus strand). VCF-style: chr19-1621183-C-A. GRCh37 (hg19) VCF-style: chr19-1621182-C-A.
Other names: c.964G>T, p.Gly322Trp (NM_001136139.4, NM_001351778.2, NM_001351779.2); short protein forms G322W.
Identifiers: ClinVar variation 1517450 (VCV001517450.6), dbSNP rs375354495, ClinGen allele CA9050125.